The following is an entry in ClinVar:

ClinVar aggregate classification (germline): Uncertain significance (1 of 4 stars; one submission).

gnomAD v4.1: 3 of 1,613,884 alleles (0.00019%); highest among the groups gnomAD compares: Non-Finnish European, 0.00025%; no homozygotes.

Submission:

Labcorp Genetics (formerly Invitae), Labcorp
Classification: Uncertain significance. Last evaluated: 2025-03-11. Review status: criteria provided, single submitter. Criteria: Invitae Variant Classification Sherloc (09022015). Collection method: clinical testing. Allele origin: germline.
Comment: This sequence change replaces arginine, which is basic and polar, with proline, which is neutral and non-polar, at codon 59 of the MGP protein (p.Arg59Pro). This variant is not present in population databases (gnomAD no frequency). This variant has not been reported in the literature in individuals affected with MGP-related conditions. An algorithm developed to predict the effect of missense changes on protein structure and function (PolyPhen-2) suggests that this variant is likely to be disruptive. In summary, the available evidence is currently insufficient to determine the role of this variant in disease. Therefore, it has been classified as a Variant of Uncertain Significance.

NM_000900.5(MGP):c.176G>C (p.Arg59Pro)

Gene: MGP (matrix Gla protein; minus strand). Cytogenetic location: 12p12.3.
Variant type: single nucleotide variant.
Coding change: c.176G>C on transcript NM_000900.5 (MANE Select); coding-DNA position 176, G replaced by C.
Protein change: p.Arg59Pro; replaces arginine 59 with proline.
Molecular consequence: missense variant.
Genome position (GRCh38, 1-based): chr12:14,882,275, C>G on the plus strand (G>C on the coding strand, the complement: MGP is on the minus strand). VCF-style: chr12-14882275-C-G. GRCh37 (hg19) VCF-style: chr12-15035209-C-G.
Other names: c.251G>C, p.Arg84Pro (NM_001190839.3); short protein forms R59P, R84P.
Identifiers: ClinVar variation 4694604 (VCV004694604.1).
Genomic context (GRCh38, chr12:14,882,275, plus strand): 5'-CAAAGTCTGTAGTCATCACAGGCTTCCCTATTGAGCTCGTGGACAGGCTTAGAGCGTTCT[C>G]GGATCCTAGAAAGTGGAAGAAGAGGCCAAAATTGAGAAGGATAAAGTGGAAAAATACAAA-3'
Protein context (NP_000891.2, residues 49-69): RWRAKVQERI[Arg59Pro]ERSKPVHELN